The following is an entry in ClinVar:

NM_001267550.2(TTN):c.54790G>A (p.Glu18264Lys)

Genes: TTN (titin; minus strand), TTN-AS1 (TTN antisense RNA 1; plus strand). Cytogenetic location: 2q31.2.
Variant type: single nucleotide variant.
Coding change: c.54790G>A on transcript NM_001267550.2 (MANE Select); coding-DNA position 54790, G replaced by A.
Protein change: p.Glu18264Lys; replaces glutamic acid 18264 with lysine.
Molecular consequence: missense variant.
Genome position (GRCh38, 1-based): chr2:178,603,897, C>T on the plus strand (G>A on the coding strand, the complement: TTN is on the minus strand). VCF-style: chr2-178603897-C-T. GRCh37 (hg19) VCF-style: chr2-179468624-C-T.
Other names: c.49867G>A, p.Glu16623Lys (NM_001256850.1); c.27595G>A, p.Glu9199Lys (NM_003319.4); c.47086G>A, p.Glu15696Lys (NM_133378.4); c.27970G>A, p.Glu9324Lys (NM_133432.3); c.28171G>A, p.Glu9391Lys (NM_133437.4); short protein forms E15696K, E18264K, E9324K, E9391K, E16623K, E9199K.
Identifiers: ClinVar variation 1795637 (VCV001795637.2), dbSNP rs1253287416, ClinGen allele CA349549637.

ClinVar aggregate classification (germline): Uncertain significance (1 of 4 stars; one submission).

Conditions:
Cardiovascular phenotype. Identifiers: MedGen CN230736.

gnomAD v4.1: 6 of 1,607,938 alleles (0.00037%); highest among the groups gnomAD compares: Non-Finnish European, 0.00051%; no homozygotes.

Submission:

Ambry Genetics
Classification: Uncertain significance for Cardiovascular phenotype. Last evaluated: 2020-02-28. Review status: criteria provided, single submitter. Criteria: Ambry Variant Classification Scheme 2023. Collection method: clinical testing. Allele origin: germline.
Comment: The p.E9199K variant (also known as c.27595G>A), located in coding exon 109 of the TTN gene, results from a G to A substitution at nucleotide position 27595. The glutamic acid at codon 9199 is replaced by lysine, an amino acid with similar properties. This amino acid position is poorly conserved in available vertebrate species. In addition, this alteration is predicted to be tolerated by in silico analysis. Since supporting evidence is limited at this time, the clinical significance of this alteration remains unclear.